The following is an entry in ClinVar:

ClinVar aggregate classification (germline): Benign (0 of 4 stars; one submission).

Conditions:
CLPTM1L-related disorder. Also called: CLPTM1L-related condition.

Allele frequency attached by ClinVar (database versions not stated): ExAC 0.00084; gnomAD 0.00267; ESP Exome Variant Server 0.00277; 1000 Genomes Project 0.00300; TOPMed 0.00311; 1000 Genomes Project 30x 0.00375.
gnomAD v4.1: 935 of 1,613,896 alleles (0.058%); highest among the groups gnomAD compares: African/African-American, 0.85%; 2 homozygotes.

Submission:

PreventionGenetics, part of Exact Sciences
Classification: Benign for CLPTM1L-related condition. Last evaluated: 2019-12-03. Review status: no assertion criteria provided. Collection method: clinical testing. Allele origin: germline.
Comment: This variant is classified as benign based on ACMG/AMP sequence variant interpretation guidelines (Richards et al. 2015 PMID: 25741868, with internal and published modifications).

NM_030782.5(CLPTM1L):c.231G>C (p.Val77=)

Gene: CLPTM1L (CLPTM1 like). Cytogenetic location: 5p15.33.
Variant type: single nucleotide variant.
Coding change: c.231G>C on transcript NM_030782.5 (MANE Select); coding-DNA position 231, G replaced by C.
Protein change: p.Val77=; no amino-acid change (valine 77 retained).
Molecular consequence: synonymous variant.
Genome position (GRCh38, 1-based): chr5:1,344,383, C>G on the plus strand (G>C on the coding strand, the complement: CLPTM1L is on the minus strand). VCF-style: chr5-1344383-C-G. GRCh37 (hg19) VCF-style: chr5-1344498-C-G.
Identifiers: ClinVar variation 3048412 (VCV003048412.2), dbSNP rs144759255, ClinGen allele CA3185715.